The following is an entry in ClinVar:

NM_004960.4(FUS):c.291_292delinsTA (p.Pro98Thr)

Gene: FUS (FUS RNA binding protein; plus strand). Cytogenetic location: 16p11.2.
Variant type: Indel.
Coding change: c.291_292delinsTA on transcript NM_004960.4 (MANE Select); coding-DNA positions 291 to 292, CC replaced by TA.
Protein change: p.Pro98Thr; replaces proline 98 with threonine.
Molecular consequence: missense variant. On other transcripts: non-coding transcript variant (1).
Genome position (GRCh38, 1-based): chr16:31,183,958-31,183,959, CC replaced by TA. VCF-style: chr16-31183958-CC-TA. GRCh37 (hg19) VCF-style: chr16-31195279-CC-TA.
Other names: c.288_289delinsTA, p.Pro97Thr (NM_001170634.1); c.291_292delinsTA, p.Pro98Thr (NM_001170937.1); short protein forms P98T, P97T.
Identifiers: ClinVar variation 838008 (VCV000838008.8), dbSNP rs2079220021, ClinGen allele CA916082429.

ClinVar aggregate classification (germline): Uncertain significance (1 of 4 stars; one submission).

Conditions:
Amyotrophic lateral sclerosis type 6. Also called: FUS-Related Amyotrophic Laterial Sclerosis; AMYOTROPHIC LATERAL SCLEROSIS 6 WITHOUT FRONTOTEMPORAL DEMENTIA; Amyotrophic lateral sclerosis 6, with or without frontotemporal dementia. Identifiers: Orphanet 275872, Orphanet 803, MedGen C2931786, MONDO:0011951, OMIM 608030.
Tremor, hereditary essential, 4 (ETM4). Identifiers: MedGen C3539195, MONDO:0013888, OMIM 614782.

Submission:

Labcorp Genetics (formerly Invitae), Labcorp
Classification: Uncertain significance for Tremor, hereditary essential, 4; Amyotrophic lateral sclerosis type 6. Last evaluated: 2019-11-25. Review status: criteria provided, single submitter. Criteria: Invitae Variant Classification Sherloc (09022015). Collection method: clinical testing. Allele origin: germline.
Comment: This sequence change replaces proline with threonine at codon 98 of the FUS protein (p.Pro98Thr). The proline residue is highly conserved and there is a small physicochemical difference between proline and threonine. This variant is not present in population databases (ExAC no frequency). This variant has not been reported in the literature in individuals with FUS-related conditions. Experimental studies and prediction algorithms are not available or were not evaluated, and the functional significance of this variant is currently unknown. In summary, the available evidence is currently insufficient to determine the role of this variant in disease. Therefore, it has been classified as a Variant of Uncertain Significance.